The following is an entry in ClinVar:

ClinVar aggregate classification (germline): Likely benign (1 of 4 stars; one submission).

gnomAD v4.1: 1 of 1,614,076 alleles (0.000062%); highest among the groups gnomAD compares: Non-Finnish European, 0.000085%; no homozygotes.

Submission:

CeGaT Center for Human Genetics Tuebingen
Classification: Likely benign. Last evaluated: 2025-02-01. Review status: criteria provided, single submitter. Criteria: CeGaT Center For Human Genetics Tuebingen Variant Classification Criteria Version 2. Collection method: clinical testing. Allele origin: germline. Affected: yes. Observed: 1 variant allele.
Comment: SLC35F3: BP4, BP7

NM_173508.4(SLC35F3):c.1272T>C (p.Asn424=)

Gene: SLC35F3 (solute carrier family 35 member F3; plus strand). Cytogenetic location: 1q42.2.
Variant type: single nucleotide variant.
Coding change: c.1272T>C on transcript NM_173508.4 (MANE Select); coding-DNA position 1272, T replaced by C.
Protein change: p.Asn424=; no amino-acid change (asparagine 424 retained).
Molecular consequence: synonymous variant.
Genome position (GRCh38, 1-based): chr1:234,323,042, T>C. VCF-style: chr1-234323042-T-C. GRCh37 (hg19) VCF-style: chr1-234458788-T-C.
Other names: c.1065T>C, p.Asn355= (NM_001300845.2).
Identifiers: ClinVar variation 3770791 (VCV003770791.13).
Genomic context (GRCh38, chr1:234,323,042, plus strand): 5'-AAACCTCCATGCTCTGTCTCCCACAGTGATTGATCACTACACCAGTCAGATCGTCTTCAA[T>C]GGGGTCCGGGTCATCGCCATCATCATCATCGGCCTGGGTTTTCTCCTCCTGCTCCTGCCA-3'
Protein context (NP_775779.1, residues 414-434): IDHYTSQIVF[Asn424=]GVRVIAIIII